The following is an entry in ClinVar:

ClinVar aggregate classification (germline): Uncertain significance (1 of 4 stars; one submission).

Submission:

Labcorp Genetics (formerly Invitae), Labcorp
Classification: Uncertain significance. Last evaluated: 2022-10-17. Review status: criteria provided, single submitter. Criteria: Invitae Variant Classification Sherloc (09022015). Collection method: clinical testing. Allele origin: germline.
Comment: This sequence change replaces valine, which is neutral and non-polar, with glutamic acid, which is acidic and polar, at codon 1494 of the TRPM1 protein (p.Val1494Glu). In summary, the available evidence is currently insufficient to determine the role of this variant in disease. Therefore, it has been classified as a Variant of Uncertain Significance. Algorithms developed to predict the effect of missense changes on protein structure and function (SIFT, PolyPhen-2, Align-GVGD) all suggest that this variant is likely to be tolerated. This variant has not been reported in the literature in individuals affected with TRPM1-related conditions. This variant is not present in population databases (gnomAD no frequency).

NM_001252024.2(TRPM1):c.4547T>A (p.Val1516Glu)

Gene: TRPM1 (transient receptor potential cation channel subfamily M member 1; minus strand). Cytogenetic location: 15q13.3.
Variant type: single nucleotide variant.
Coding change: c.4547T>A on transcript NM_001252024.2 (MANE Select); coding-DNA position 4547, T replaced by A.
Protein change: p.Val1516Glu; replaces valine 1516 with glutamic acid.
Molecular consequence: missense variant.
Genome position (GRCh38, 1-based): chr15:31,002,153, A>T on the plus strand (T>A on the coding strand, the complement: TRPM1 is on the minus strand). VCF-style: chr15-31002153-A-T. GRCh37 (hg19) VCF-style: chr15-31294356-A-T.
Other names: c.4598T>A, p.Val1533Glu (NM_001252020.2); c.4481T>A, p.Val1494Glu (NM_002420.6); short protein forms V1516E, V1533E, V1494E.
Identifiers: ClinVar variation 2001042 (VCV002001042.4), dbSNP rs757184114, ClinGen allele CA391522832.